The following is an entry in ClinVar:

NM_001081.4(CUBN):c.1111+5T>C

Gene: CUBN (cubilin; minus strand). Cytogenetic location: 10p13.
Variant type: single nucleotide variant.
Coding change: c.1111+5T>C on transcript NM_001081.4 (MANE Select); 5 bases into the intron after coding-DNA position 1111, T replaced by C.
Molecular consequence: intron variant.
Genome position (GRCh38, 1-based): chr10:17,109,635, A>G on the plus strand (T>C on the coding strand, the complement: CUBN is on the minus strand). VCF-style: chr10-17109635-A-G. GRCh37 (hg19) VCF-style: chr10-17151634-A-G.
Identifiers: ClinVar variation 299528 (VCV000299528.16), dbSNP rs199662739, ClinGen allele CA5425407.

ClinVar aggregate classification (germline): Conflicting classifications of pathogenicity. Review status: criteria provided, conflicting classifications (1 of 4 stars). 4 submissions from 4 submitters: Uncertain significance (1); Likely benign (2). 1 of the submissions does not count toward it. Last evaluated 2026-01-12.

Conditions:
CUBN-related disorder. Also called: CUBN-related condition.
Imerslund-Grasbeck syndrome type 1 (IGS1). Also called: Megaloblastic anemia 1, Finnish type; MEGALOBLASTIC ANEMIA, 1; Imerslund-Gräsbeck syndrome 1. Identifiers: MedGen C4016819, MONDO:0100156, OMIM 261100.
Imerslund-Grasbeck syndrome. Also called: ENTEROCYTE COBALAMIN MALABSORPTION; ENTEROCYTE INTRINSIC FACTOR RECEPTOR, DEFECT OF; Imerslund-Gräsbeck syndrome; PERNICIOUS ANEMIA, JUVENILE, DUE TO SELECTIVE INTESTINAL MALABSORPTION OF VITAMIN B12, WITH PROTEINURIA; Megaloblastic anemia due to inborn errors of metabolism. Identifiers: Orphanet 35858, MedGen C4551825, MONDO:0009853.

Allele frequency attached by ClinVar (database versions not stated): gnomAD exomes 0.00006 and 0.00017; TOPMed 0.00006; gnomAD 0.00008 and 0.00009; ExAC 0.00012.
gnomAD v4.1: 114 of 1,611,460 alleles (0.0071%); highest among the groups gnomAD compares: Middle Eastern, 0.033%; no homozygotes.

Submissions (4):

Labcorp Genetics (formerly Invitae), Labcorp
Classification: Likely benign for Imerslund-Grasbeck syndrome. Last evaluated: 2026-01-12. Review status: criteria provided, single submitter. Criteria: Invitae Variant Classification Sherloc (09022015). Collection method: clinical testing. Allele origin: germline.

Blueprint Genetics
Classification: Likely benign. Last evaluated: 2024-10-14. Review status: criteria provided, single submitter. Criteria: ACMG Guidelines, 2015. Collection method: clinical testing. Allele origin: germline.

Illumina Laboratory Services, Illumina
Classification: Uncertain significance for Imerslund-Grasbeck syndrome type 1. Last evaluated: 2018-01-12. Review status: criteria provided, single submitter. Criteria: ICSL Variant Classification Criteria 13 December 2019. Collection method: clinical testing. Allele origin: germline.

PreventionGenetics, part of Exact Sciences
Classification: Likely benign for CUBN-related condition. Last evaluated: 2022-12-19. Review status: no assertion criteria provided. Collection method: clinical testing. Allele origin: germline. Not counted in ClinVar's aggregate classification.
Comment: This variant is classified as likely benign based on ACMG/AMP sequence variant interpretation guidelines (Richards et al. 2015 PMID: 25741868, with internal and published modifications).